The following is an entry in ClinVar:

ClinVar aggregate classification (germline): Uncertain significance (1 of 4 stars; one submission).

Conditions:
Werner syndrome (WRN). Identifiers: Orphanet 902, MedGen C0043119, MONDO:0010196, OMIM 277700.

Submission:

Labcorp Genetics (formerly Invitae), Labcorp
Classification: Uncertain significance for Werner syndrome. Last evaluated: 2024-05-22. Review status: criteria provided, single submitter. Criteria: Invitae Variant Classification Sherloc (09022015). Collection method: clinical testing. Allele origin: germline.
Comment: This variant, c.3307_3309del, results in the deletion of 1 amino acid(s) of the WRN protein (p.Lys1103del), but otherwise preserves the integrity of the reading frame. This variant is present in population databases (no rsID available, gnomAD 0.007%). This variant has not been reported in the literature in individuals affected with WRN-related conditions. ClinVar contains an entry for this variant (Variation ID: 458448). Experimental studies and prediction algorithms are not available or were not evaluated, and the functional significance of this variant is currently unknown. In summary, the available evidence is currently insufficient to determine the role of this variant in disease. Therefore, it has been classified as a Variant of Uncertain Significance.

NM_000553.6(WRN):c.3304AAG[1] (p.Lys1103del)

Gene: WRN (WRN RecQ like helicase; plus strand). Cytogenetic location: 8p12.
Variant type: Microsatellite.
Coding change: c.3304AAG[1] on transcript NM_000553.6 (MANE Select); one copy of the 3-base unit AAG starting at c.3304; the reference has two copies in a row; one copy, 3 bases deleted.
Protein change: p.Lys1103del; deletes lysine 1103.
Molecular consequence: inframe deletion.
Genome position (GRCh38, 1-based): chr8:31,142,699-31,142,701, AAG deleted; deleting any 3 consecutive bases within chr8:31,142,694-31,142,701 gives the same sequence; the position shown is the placement nearest the transcript's 3' end. VCF-style (leftmost placement, unchanged base first): chr8-31142693-GAGA-G. GRCh37 (hg19) VCF-style: chr8-31000209-GAGA-G.
Other names: short protein forms K1103del.
Identifiers: ClinVar variation 458448 (VCV000458448.6), dbSNP rs935598563, ClinGen allele CA174901020.
Genomic context (GRCh38, chr8:31,142,693, plus strand): 5'-ACTGTATCTTCGGGCACCAAAGAGCATTGTTATAATCAAGTACCAGTTGAATTAAGTACA[GAGA>G]AGAAGGTTTGTTTTAAAGAAATTGTTCTGATTTATTTCATTCTTTATTGATTCAAATTCT-3'